The following is an entry in ClinVar:

NM_024818.6(UBA5):c.107G>A (p.Gly36Asp)

Genes: NPHP3-ACAD11 (NPHP3-ACAD11 readthrough (NMD candidate); minus strand), UBA5 (ubiquitin like modifier activating enzyme 5; plus strand). Cytogenetic location: 3q22.1.
Variant type: single nucleotide variant.
Coding change: c.107G>A on transcript NM_024818.6 (MANE Select); coding-DNA position 107, G replaced by A.
Protein change: p.Gly36Asp; replaces glycine 36 with aspartic acid.
Molecular consequence: missense variant. On other transcripts: 5 prime UTR variant (3), intron variant (1).
Genome position (GRCh38, 1-based): chr3:132,660,644, G>A. VCF-style: chr3-132660644-G-A. GRCh37 (hg19) VCF-style: chr3-132379488-G-A.
Other names: c.-412G>A (NM_001320210.2); c.-378G>A (NM_001321238.2); c.-94G>A (NM_001321239.1); c.-7-5179G>A (NM_198329.4); short protein forms G36D.
Identifiers: ClinVar variation 1355573 (VCV001355573.6), dbSNP rs372470618, ClinGen allele CA2621253.
Genomic context (GRCh38, chr3:132,660,644, plus strand): 5'-AGCGGGAACTTGCCCAGGAGAGGAGTCTGCAGGTCCCGAGGAGCGGCGACGGAGGGGGCG[G>A]CCGGGTCCGCATCGAGAAGATGAGCTCAGAGGTGGTGGATTCGAATCCCTACAGGTAACC-3'
Protein context (NP_079094.1, residues 26-46): QVPRSGDGGG[Gly36Asp]RVRIEKMSSE

ClinVar aggregate classification (germline): Uncertain significance (1 of 4 stars; one submission).

Allele frequency attached by ClinVar (database versions not stated): gnomAD 0.00001; TOPMed 0.00003; ExAC 0.00004; ESP Exome Variant Server 0.00008.

Submission:

Labcorp Genetics (formerly Invitae), Labcorp
Classification: Uncertain significance. Last evaluated: 2020-12-11. Review status: criteria provided, single submitter. Criteria: Invitae Variant Classification Sherloc (09022015). Collection method: clinical testing. Allele origin: germline.
Comment: In summary, the available evidence is currently insufficient to determine the role of this variant in disease. Therefore, it has been classified as a Variant of Uncertain Significance. Algorithms developed to predict the effect of missense changes on protein structure and function are either unavailable or do not agree on the potential impact of this missense change (SIFT: "Not Available"; PolyPhen-2: "Benign"; Align-GVGD: "Not Available"). This variant has not been reported in the literature in individuals with UBA5-related conditions. This variant is present in population databases (rs372470618, ExAC 0.03%). This sequence change replaces glycine with aspartic acid at codon 36 of the UBA5 protein (p.Gly36Asp). The glycine residue is weakly conserved and there is a moderate physicochemical difference between glycine and aspartic acid.